The following is an entry in ClinVar:

NM_015627.3(LDLRAP1):c.861C>T (p.Leu287=)

Gene: LDLRAP1 (low density lipoprotein receptor adaptor protein 1; plus strand). Cytogenetic location: 1p36.11.
Variant type: single nucleotide variant.
Coding change: c.861C>T on transcript NM_015627.3 (MANE Select); coding-DNA position 861, C replaced by T.
Protein change: p.Leu287=; no amino-acid change (leucine 287 retained).
Molecular consequence: synonymous variant.
Genome position (GRCh38, 1-based): chr1:25,566,926, C>T. VCF-style: chr1-25566926-C-T. GRCh37 (hg19) VCF-style: chr1-25893417-C-T.
Identifiers: ClinVar variation 296987 (VCV000296987.20), dbSNP rs767867837, ClinGen allele CA695772.
Genomic context (GRCh38, chr1:25,566,926, plus strand): 5'-AAACCCTCAGGTCCTGGACACTGGCCTGACAGCCCAGGACATGCATTACGCCCAGTGCCT[C>T]TCGCCTGTCGACTGGGACAAGCCTGACAGCAGCGGCACAGAGCAGGATGACCTCTTCAGC-3'
Protein context (NP_056442.2, residues 277-297): TAQDMHYAQC[Leu287=]SPVDWDKPDS

ClinVar aggregate classification (germline): Benign/Likely benign. Review status: criteria provided, multiple submitters, no conflicts (2 of 4 stars). 6 submissions from 6 submitters: Benign (1); Likely benign (4). 1 of the submissions does not count toward it. Last evaluated 2026-01-18.

Conditions:
Familial hypercholesterolemia. Also called: Familial hypercholesterolaemia; Familial hypercholesterolemias. Identifiers: MedGen C0020445, MONDO:0005439.
Hypercholesterolemia, familial, 4 (FHCL4). Also called: HYPERCHOLESTEROLEMIA, AUTOSOMAL RECESSIVE, 1; HYPERCHOLESTEROLEMIA, AUTOSOMAL RECESSIVE, 2. Identifiers: Orphanet 391665, MedGen C1863512, MONDO:0011374, OMIM 603813.
Cardiovascular phenotype. Identifiers: MedGen CN230736.

Allele frequency attached by ClinVar (database versions not stated): gnomAD 0.00006 and 0.00007; gnomAD exomes 0.00031 and 0.00067; TOPMed 0.00038; ExAC 0.00058.
gnomAD v4.1: 197 of 1,613,492 alleles (0.012%); highest among the groups gnomAD compares: Admixed American, 0.32%; 1 homozygote.

Submissions (6):

Labcorp Genetics (formerly Invitae), Labcorp
Classification: Benign for Hypercholesterolemia, familial, 4. Last evaluated: 2026-01-18. Review status: criteria provided, single submitter. Criteria: Invitae Variant Classification Sherloc (09022015). Collection method: clinical testing. Allele origin: germline.

Genome-Nilou Lab
Classification: Likely benign for Hypercholesterolemia, familial, 4. Last evaluated: 2023-04-11. Review status: criteria provided, single submitter. Criteria: ACMG Guidelines, 2015. Collection method: clinical testing. Allele origin: germline. Affected: no.

Women's Health and Genetics/Laboratory Corporation of America, LabCorp
Classification: Likely benign. Last evaluated: 2022-11-19. Review status: criteria provided, single submitter. Criteria: LabCorp Variant Classification Summary - May 2015. Collection method: clinical testing. Allele origin: germline.

Ambry Genetics
Classification: Likely benign for Cardiovascular phenotype. Last evaluated: 2019-06-12. Review status: criteria provided, single submitter. Criteria: Ambry Variant Classification Scheme 2023. Collection method: clinical testing. Allele origin: germline.

Illumina Laboratory Services, Illumina
Classification: Likely benign for Hypercholesterolemia, familial, 4. Last evaluated: 2018-01-13. Review status: criteria provided, single submitter. Criteria: ICSL Variant Classification Criteria 13 December 2019. Collection method: clinical testing. Allele origin: germline.
Comment: This variant was observed in the ICSL laboratory as part of a predisposition screen in an ostensibly healthy population. It had not been previously curated by ICSL or reported in the Human Gene Mutation Database (HGMD: prior to June 1st, 2018), and was therefore a candidate for classification through an automated scoring system. Utilizing variant allele frequency, disease prevalence and penetrance estimates, and inheritance mode, an automated score was calculated to assess if this variant is too frequent to cause the disease. Based on the score and internal cut-off values, a variant classified as likely benign is not then subjected to further curation. The score for this variant resulted in a classification of likely benign for this disease.

Natera, Inc.
Classification: Likely benign for Familial hypercholesterolemia. Last evaluated: 2019-10-28. Review status: no assertion criteria provided. Collection method: clinical testing. Allele origin: germline. Not counted in ClinVar's aggregate classification.